The following is an entry in ClinVar:

NM_030962.4(SBF2):c.2716C>A (p.Leu906Ile)

Genes: SBF2 (SET binding factor 2; minus strand), LOC101928008 (uncharacterized LOC101928008; plus strand). Cytogenetic location: 11p15.4.
Variant type: single nucleotide variant.
Coding change: c.2716C>A on transcript NM_030962.4 (MANE Select); coding-DNA position 2716, C replaced by A.
Protein change: p.Leu906Ile; replaces leucine 906 with isoleucine.
Molecular consequence: missense variant.
Genome position (GRCh38, 1-based): chr11:9,850,113, G>T on the plus strand (C>A on the coding strand, the complement: SBF2 is on the minus strand). VCF-style: chr11-9850113-G-T. GRCh37 (hg19) VCF-style: chr11-9871660-G-T.
Other names: c.2716C>A, p.Leu906Ile (NM_001386339.1); c.2587C>A, p.Leu863Ile (NM_001386342.1); short protein forms L906I, L863I.
Identifiers: ClinVar variation 954373 (VCV000954373.11), dbSNP rs760903950, ClinGen allele CA5881469.

ClinVar aggregate classification (germline): Uncertain significance. Review status: criteria provided, multiple submitters, no conflicts (2 of 4 stars). 2 submissions from 2 submitters: Uncertain significance (2). Last evaluated 2021-10-06.

Conditions:
Inborn genetic diseases. Identifiers: MedGen C0950123, MeSH D030342.
Charcot-Marie-Tooth disease type 4. Also called: Charcot-Marie-Tooth disease, type IV; Charcot-Marie-Tooth, Type 4. Identifiers: Orphanet 64749, MedGen C4082197, MONDO:0018995.

Allele frequency attached by ClinVar (database versions not stated): gnomAD exomes 0.00001; ExAC 0.00002.
gnomAD v4.1: 3 of 1,614,174 alleles (0.00019%); highest among the groups gnomAD compares: Admixed American, 0.0033%; no homozygotes.

Submissions (2):

Ambry Genetics
Classification: Uncertain significance for Inborn genetic diseases. Last evaluated: 2021-10-06. Review status: criteria provided, single submitter. Criteria: Ambry Variant Classification Scheme 2023. Collection method: clinical testing. Allele origin: germline.

Labcorp Genetics (formerly Invitae), Labcorp
Classification: Uncertain significance for Charcot-Marie-Tooth disease type 4. Last evaluated: 2021-03-09. Review status: criteria provided, single submitter. Criteria: Invitae Variant Classification Sherloc (09022015). Collection method: clinical testing. Allele origin: germline.
Comment: In summary, the available evidence is currently insufficient to determine the role of this variant in disease. Therefore, it has been classified as a Variant of Uncertain Significance. Algorithms developed to predict the effect of missense changes on protein structure and function (SIFT, PolyPhen-2, Align-GVGD) all suggest that this variant is likely to be tolerated, but these predictions have not been confirmed by published functional studies and their clinical significance is uncertain. This variant has not been reported in the literature in individuals with SBF2-related conditions. This variant is present in population databases (rs760903950, ExAC 0.02%). This sequence change replaces leucine with isoleucine at codon 906 of the SBF2 protein (p.Leu906Ile). The leucine residue is moderately conserved and there is a small physicochemical difference between leucine and isoleucine.